The following is an entry in ClinVar:

ClinVar aggregate classification (germline): Benign. Review status: criteria provided, single submitter (1 of 4 stars). 3 submissions from 1 submitter: Benign (3). Last evaluated 2018-01-13.

Conditions:
Familial multiple trichoepitheliomata. Also called: Familial multiple trichoepithelioma. Identifiers: Orphanet 79493, Orphanet 867, MedGen C1275122, MONDO:0011114.
Brooke-Spiegler syndrome. Also called: CYLD Cutaneous Syndrome. Identifiers: Orphanet 79493, MedGen C1857941, MONDO:0011512, OMIM 605041.
Familial cylindromatosis. Also called: Turban tumor syndrome; ANCELL-SPIEGLER CYLINDROMAS. Identifiers: Orphanet 211, Orphanet 79493, MedGen C1851526, MONDO:0007565, OMIM 132700.

Allele frequency attached by ClinVar (database versions not stated): gnomAD 0.00004 and 0.00007; TOPMed 0.00013; gnomAD exomes 0.00020; 1000 Genomes Project 0.00060; 1000 Genomes Project 30x 0.00078.
gnomAD v4.1: 25 of 232,844 alleles (0.011%); highest among the groups gnomAD compares: East Asian, 0.15%; no homozygotes.

Submissions (3):

Illumina Laboratory Services, Illumina
Classification: Benign for Familial cylindromatosis. Last evaluated: 2018-01-13. Review status: criteria provided, single submitter. Criteria: ICSL Variant Classification Criteria 13 December 2019. Collection method: clinical testing. Allele origin: germline.
Comment: This variant was observed in the ICSL laboratory as part of a predisposition screen in an ostensibly healthy population. It had not been previously curated by ICSL or reported in the Human Gene Mutation Database (HGMD: prior to June 1st, 2018), and was therefore a candidate for classification through an automated scoring system. Utilizing variant allele frequency, disease prevalence and penetrance estimates, and inheritance mode, an automated score was calculated to assess if this variant is too frequent to cause the disease. Based on the score and internal cut-off values, a variant classified as benign is not then subjected to further curation. The score for this variant resulted in a classification of benign for this disease.

Illumina Laboratory Services, Illumina
Classification: Benign for Brooke-Spiegler syndrome. Last evaluated: 2018-01-13. Review status: criteria provided, single submitter. Criteria: ICSL Variant Classification Criteria 13 December 2019. Collection method: clinical testing. Allele origin: germline.
Comment: the same text as in the submission from Illumina Laboratory Services, Illumina above.

Illumina Laboratory Services, Illumina
Classification: Benign for Trichoepithelioma, multiple familial, 1. Last evaluated: 2018-01-13. Review status: criteria provided, single submitter. Criteria: ICSL Variant Classification Criteria 13 December 2019. Collection method: clinical testing. Allele origin: germline.
Comment: the same text as in the submission from Illumina Laboratory Services, Illumina above.

NM_001378743.1(CYLD):c.*3679T>C

Genes: CYLD (CYLD lysine 63 deubiquitinase; plus strand), CYLD-AS2 (CYLD antisense RNA 2; minus strand). Cytogenetic location: 16q12.1.
Variant type: single nucleotide variant.
Coding change: c.*3679T>C on transcript NM_001378743.1 (MANE Select); 3679 bases downstream of the stop codon, T replaced by C.
Molecular consequence: 3 prime UTR variant. On other transcripts: non-coding transcript variant (1).
Genome position (GRCh38, 1-based): chr16:50,800,187, T>C. VCF-style: chr16-50800187-T-C. GRCh37 (hg19) VCF-style: chr16-50834098-T-C.
Other names: c.*3679T>C (NM_001042355.2, NM_001042412.3, NM_001378744.1 and 12 more transcripts).
Identifiers: ClinVar variation 319555 (VCV000319555.5), dbSNP rs141888517, ClinGen allele CA10648526.
Genomic context (GRCh38, chr16:50,800,187, plus strand): 5'-GCTTGACCTCTTGAGCTTTAGTTTCCTCCTCTGCATAATGAGAGGGTTAGACTACTGAAT[T>C]GTATGGGAAAAAAATACAAATTCCTGGGTCCTAGGCCATGCCTGCTGAATCCGACTGTTC-3'